The following is an entry in ClinVar:

ClinVar aggregate classification (germline): Pathogenic/Likely pathogenic. Review status: criteria provided, multiple submitters, no conflicts (2 of 4 stars). 4 submissions from 4 submitters: Pathogenic (1); Likely pathogenic (1). 2 of the submissions do not count toward it. Last evaluated 2025-12-21.

Conditions:
Canavan Disease, Familial Form. Identifiers: MedGen C0751663.
Spongy degeneration of central nervous system. Also called: ASPA DEFICIENCY; ASPARTOACYLASE DEFICIENCY; ACY2 DEFICIENCY; AMINOACYLASE 2 DEFICIENCY; CANAVAN-VAN BOGAERT-BERTRAND DISEASE; ASP DEFICIENCY. Identifiers: Orphanet 141, MedGen C0206307, MONDO:0010079, OMIM 271900.

Allele frequency attached by ClinVar (database versions not stated): gnomAD exomes below 0.00001; ESP Exome Variant Server 0.00008; ExAC 0.00001; TOPMed 0.00002.

Submissions (4):

Natera, Inc.
Classification: Likely pathogenic for Canavan Disease. Last evaluated: 2025-12-21. Review status: criteria provided, single submitter. Criteria: Natera Variant Classification Schema (03/2026). Collection method: clinical testing. Allele origin: germline.
Comment: The c.32delT variant in ASPA is a frameshift variant predicted to shift the reading frame beginning at codon 11 and leads to a stop codon 15 codons downstream. This variant is expected to result in nonsense mediated decay, truncation, or a dysfunctional protein product. This variant is rare in the general population with a frequency below the threshold expected for the associated phenotype(s). Given the available evidence, this variant is classified as Likely Pathogenic.

Women's Health and Genetics/Laboratory Corporation of America, LabCorp
Classification: Pathogenic for Canavan Disease, Familial Form. Last evaluated: 2022-05-23. Review status: criteria provided, single submitter. Criteria: LabCorp Variant Classification Summary - May 2015. Collection method: clinical testing. Allele origin: germline.
Comment: Variant summary: ASPA c.32delT (p.Ile11AsnfsX15) results in a premature termination codon, predicted to cause a truncation of the encoded protein or absence of the protein due to nonsense mediated decay, which are commonly known mechanisms for disease. Truncations downstream of this position have been classified as pathogenic by our laboratory. The variant allele was found at a frequency of 4e-06 in 251376 control chromosomes. c.32delT has been reported in the literature in individuals affected with Canavan Disease (example, Kaul_1996). No clinical diagnostic laboratories have submitted clinical-significance assessments for this variant to ClinVar after 2014. Based on the evidence outlined above, the variant was classified as pathogenic.

Counsyl
Classification: Likely pathogenic for Spongy degeneration of central nervous system. Last evaluated: 2014-11-06. Review status: no assertion criteria provided. Collection method: literature only. Allele origin: unknown. Inheritance: Autosomal recessive inheritance. Not counted in ClinVar's aggregate classification.

OMIM
Classification: Pathogenic for CANAVAN DISEASE. Last evaluated: 1996-07-01. Review status: no assertion criteria provided. Collection method: literature only. Allele origin: germline. Not counted in ClinVar's aggregate classification.

Literature cited by the submitters: PubMed 8659549 (cited by 3 submitters); PubMed 28101991 (cited by Women's Health and Genetics/Laboratory Corporation of America, LabCorp).

NM_000049.4(ASPA):c.32del (p.Ile11fs)

Genes: ASPA (aspartoacylase; plus strand), SPATA22 (spermatogenesis associated 22; minus strand). Cytogenetic location: 17p13.2.
Variant type: Deletion.
Coding change: c.32del on transcript NM_000049.4 (MANE Select); coding-DNA position 32, one base deleted (T; older notation c.32delT).
Protein change: p.Ile11fs; shifts the reading frame from isoleucine 11.
Molecular consequence: frameshift variant. On other transcripts: intron variant (2).
Genome position (GRCh38, 1-based): chr17:3,476,191, T deleted. VCF-style (leftmost placement, unchanged base first): chr17-3476190-AT-A. GRCh37 (hg19) VCF-style: chr17-3379484-AT-A.
Other names: c.32delT (NM_000049.2); c.32del, p.Ile11fs (NM_001128085.1); c.-73-6793del (NM_001321336.2, NM_001321337.2); short protein forms I11fs.
Identifiers: ClinVar variation 189049 (VCV000189049.7), dbSNP rs767666474, ClinGen allele CA274320.